The following is an entry in ClinVar:

ClinVar aggregate classification (germline): Conflicting classifications of pathogenicity. Review status: criteria provided, conflicting classifications (1 of 4 stars). 11 submissions from 11 submitters: Pathogenic (1); Likely pathogenic (3); Uncertain significance (7). Last evaluated 2025-12-14.

Conditions:
MYBPC3-related disorder. Also called: MYBPC3-related disorders; MYBPC3-related condition; MYBPC3-related disease.
Hypertrophic cardiomyopathy 4. Also called: Familial hypertrophic cardiomyopathy 4. Identifiers: MedGen C1861862, MONDO:0007268, OMIM 115197.
Left ventricular noncompaction 10 (LVNC10). Identifiers: Orphanet 154, Orphanet 54260, MedGen C3715165, MONDO:0014163, OMIM 615396.
Cardiovascular phenotype. Identifiers: MedGen CN230736.
Cardiomyopathy (CMYO). Also called: Cardiomyopathies. Identifiers: Orphanet 167848, MedGen C0878544, MONDO:0004994, HP:0001638. Inheritance: Various modes of inheritance.
Hypertrophic cardiomyopathy. Also called: HYPERTROPHIC MYOCARDIOPATHY. Identifiers: Orphanet 217569, MedGen C0007194, MeSH D002312, MONDO:0005045, HP:0001639.

Allele frequency attached by ClinVar (database versions not stated): ExAC 0.00001; gnomAD exomes 0.00001 and 0.00002; TOPMed 0.00001; gnomAD 0.00002 and 0.00003.

Submissions (11):

Labcorp Genetics (formerly Invitae), Labcorp
Classification: Pathogenic for Hypertrophic cardiomyopathy. Last evaluated: 2025-12-14. Review status: criteria provided, single submitter. Criteria: Invitae Variant Classification Sherloc (09022015). Collection method: clinical testing. Allele origin: germline.
Comment: This sequence change replaces arginine, which is basic and polar, with cysteine, which is neutral and slightly polar, at codon 1022 of the MYBPC3 protein (p.Arg1022Cys). The frequency data for this variant in the population databases is considered unreliable, as metrics indicate poor data quality at this position in the gnomAD database. This missense change has been observed in individuals with hypertrophic cardiomyopathy (PMID: 24111713, 24793961, 27532257, 33782553; internal data). ClinVar contains an entry for this variant (Variation ID: 42680). An algorithm developed to predict the effect of missense changes on protein structure and function (PolyPhen-2) suggests that this variant is likely to be disruptive. This variant disrupts the p.Arg1022 amino acid residue in MYBPC3. Other variant(s) that disrupt this residue have been determined to be pathogenic (PMID: 16335287, 20433692, 23396983, 28771489). This suggests that this residue is clinically significant, and that variants that disrupt this residue are likely to be disease-causing. For these reasons, this variant has been classified as Pathogenic.

3billion
Classification: Likely pathogenic for Hypertrophic cardiomyopathy 4. Last evaluated: 2025-11-17. Review status: criteria provided, single submitter. Criteria: ACMG Guidelines, 2015. Collection method: clinical testing. Allele origin: germline. Affected: yes.
Comment: The variant is observed at an extremely low frequency in the gnomAD v4.1.0 dataset (total allele frequency: 0.002%). Predicted Consequence/Location: Missense variant In silico tool predictions suggest damaging effect of the variant on gene or gene product [REVEL: 0.89 (>=0.6, sensitivity 0.68 and specificity 0.92); 3Cnet: 0.25 (> 0.75, sensitivity 0.96 and precision 0.92)]. The same nucleotide change resulting in the same amino acid change has been previously reported to be associated with MYBPC3-related disorder (ClinVar ID: VCV000042680 /PMID: 24111713 /3billion dataset).Different missense changes at the same codon (p.Arg1022His, p.Arg1022Pro, p.Arg1022Ser) have been reported as pathogenic/likely pathogenic with strong evidence (ClinVar ID: VCV000042682 /PMID: 16335287, 19150014, 27532257). Therefore, this variant is classified as Likely pathogenic according to the recommendation of ACMG/AMP guideline.

GeneDx
Classification: Uncertain significance. Last evaluated: 2025-10-27. Review status: criteria provided, single submitter. Criteria: GeneDx Variant Classification Process June 2021. Collection method: clinical testing. Allele origin: germline. Affected: yes.
Comment: Reported in individuals with HCM, though detailed patient and family data were often not provided (PMID: 24111713, 24793961, 27532257, 35653365, 36788754, 37652022); Not observed at significant frequency in large population cohorts (gnomAD); In silico analysis supports that this missense variant has a deleterious effect on protein structure/function; This variant is associated with the following publications: (PMID: 22958901, 27532257, 24793961, 33782553, 35653365, 24111713, 39486665, 30790116, ThomasS2025[Article], 36788754, 37652022)

Color Diagnostics, LLC DBA Color Health
Classification: Likely pathogenic for Cardiomyopathy. Last evaluated: 2025-09-02. Review status: criteria provided, single submitter. Criteria: ACMG Guidelines, 2015. Collection method: clinical testing. Allele origin: germline.
Comment: This missense variant replaces arginine with cysteine at codon 1022 in the Ig-like domain C8 of the MYBPC3 protein. Computational prediction suggests that this variant may have a deleterious impact on protein structure and function. To our knowledge, functional studies have not been reported for this variant. This variant has been reported in over 10 individuals affected with hypertrophic cardiomyopathy (PMID: 24111713, 24793961, 27532257, 30790116, 35653365, 36788754ClinVar SCV000950554.2). This variant has been identified in 3/278246 chromosomes in the general population by the Genome Aggregation Database (gnomAD). A different missense variant occurring at the same codon, p.Arg1022Cys, is known to cause disease (ClinVar variation ID: 42682), indicating the functional and clinical importance of this position. Based on the available evidence, this variant is classified as Likely Pathogenic.

All of Us Research Program, National Institutes of Health
Classification: Uncertain significance for Hypertrophic cardiomyopathy. Last evaluated: 2024-05-30. Review status: criteria provided, single submitter. Criteria: ACMG Guidelines, 2015. Collection method: clinical testing. Allele origin: germline. Inheritance: Autosomal dominant inheritance. Observed: 3 variant alleles, 3 heterozygotes.
Comment: This missense variant replaces arginine with cysteine at codon 1022 of the MYBPC3 protein. Computational prediction suggests that this variant may have deleterious impact on protein structure and function (internally defined REVEL score threshold >= 0.7, PMID: 27666373). To our knowledge, functional studies have not been reported for this variant. This variant has been reported in several individuals affected with hypertrophic cardiomyopathy (PMID: 24111713, 24793961, 27532257, 30790116). This variant has been identified in 3/278246 chromosomes in the general population by the Genome Aggregation Database (gnomAD). A different missense variant affecting the same codon, p.Arg1022Pro, is associated with hypertrophic cardiomyopathy (Clinvar variation ID 42682), suggesting that arginine at this position may be important for the protein function. Although there is a suspicion for a pathogenic role, the available evidence is insufficient to determine the role of this variant in disease conclusively. Therefore, this variant is classified as a Variant of Uncertain Significance.

This study involves interpretation of variants in research participants for the purpose of population health screening. Participant phenotype was not available at the time of variant classification. Additional details can be found in publication PMID: 35346344, PMCID: PMC8962531

AiLife Diagnostics
Classification: Uncertain significance. Last evaluated: 2022-02-16. Review status: criteria provided, single submitter. Criteria: ACMG Guidelines, 2015. Collection method: clinical testing. Allele origin: germline. Affected: yes. Observed: 2 variant alleles.

Fulgent Genetics
Classification: Uncertain significance for Hypertrophic cardiomyopathy 4; Left ventricular noncompaction 10. Last evaluated: 2021-10-25. Review status: criteria provided, single submitter. Criteria: ACMG Guidelines, 2015. Collection method: clinical testing. Allele origin: unknown.

Blueprint Genetics
Classification: Likely pathogenic for MYBPC3-related disorders. Last evaluated: 2021-09-24. Review status: criteria provided, single submitter. Criteria: ACMG Guidelines, 2015. Collection method: clinical testing. Allele origin: germline. Affected: yes. Observed: 3 variant alleles.

Ambry Genetics
Classification: Uncertain significance for Cardiovascular phenotype. Last evaluated: 2019-10-16. Review status: criteria provided, single submitter. Criteria: Ambry Variant Classification Scheme 2023. Collection method: clinical testing. Allele origin: germline.

Laboratory for Molecular Medicine, Mass General Brigham Personalized Medicine
Classification: Uncertain significance. Last evaluated: 2019-08-29. Review status: criteria provided, single submitter. Criteria: LMM Criteria. Collection method: clinical testing. Allele origin: germline. Observed: 4 variant alleles.
Comment: Variant classified as Uncertain Significance - Favor Pathogenic. The p.Arg1022Cys variant in MYBPC3 has been identified in at least 7 individuals with HCM (Berge 2014, Bos 2014, Walsh 2017, Latif 2019, LMM data). It has also been identified in 2/24174 African chromosomes by gnomAD and reported in ClinVar (Variation ID#42680). Computational tools suggest that this variant may impact protein function; however, this information is not predictive enough to determine pathogenicity. In addition, two other variants involving this codon, p.Arg1022His and p.Arg1022Pro, have been identified in individuals with HCM, suggesting that changes at this position may not be tolerated. In summary, while there is some suspicion for a pathogenic role, the clinical significance of the p.Arg1022Cys variant is uncertain. ACMG/AMP Criteria applied: PM2_Supporting, PP3, PS4_Moderate, PM5_Supporting.

CHEO Genetics Diagnostic Laboratory, Children's Hospital of Eastern Ontario
Classification: Uncertain significance for Cardiomyopathy. Last evaluated: 2015-07-23. Review status: criteria provided, single submitter. Criteria: ACMG Guidelines, 2015. Collection method: clinical testing. Allele origin: germline. Study: Canadian Open Genetics Repository.

Literature cited by the submitters: PubMed 24111713 (cited by 6 submitters); PubMed 24793961 (cited by 4 submitters); PubMed 27532257 (cited by 5 submitters); PubMed 33782553 (cited by Labcorp Genetics (formerly Invitae), Labcorp and AiLife Diagnostics); PubMed 16335287 (cited by Labcorp Genetics (formerly Invitae), Labcorp and 3billion); PubMed 20433692 (cited by Labcorp Genetics (formerly Invitae), Labcorp); PubMed 23396983 (cited by Labcorp Genetics (formerly Invitae), Labcorp); PubMed 28771489 (cited by Labcorp Genetics (formerly Invitae), Labcorp); PubMed 30790116 (cited by 3 submitters); PubMed 35653365 (cited by Color Diagnostics, LLC DBA Color Health); PubMed 36788754 (cited by Color Diagnostics, LLC DBA Color Health).

NM_000256.3(MYBPC3):c.3064C>T (p.Arg1022Cys)

Gene: MYBPC3 (myosin binding protein C3; minus strand). Cytogenetic location: 11p11.2.
Variant type: single nucleotide variant.
Coding change: c.3064C>T on transcript NM_000256.3 (MANE Select); coding-DNA position 3064, C replaced by T.
Protein change: p.Arg1022Cys; replaces arginine 1022 with cysteine.
Molecular consequence: missense variant.
Genome position (GRCh38, 1-based): chr11:47,333,683, G>A on the plus strand (C>T on the coding strand, the complement: MYBPC3 is on the minus strand). VCF-style: chr11-47333683-G-A. GRCh37 (hg19) VCF-style: chr11-47355234-G-A.
Other names: short protein forms R1022C.
Identifiers: ClinVar variation 42680 (VCV000042680.36), dbSNP rs397515999, ClinGen allele CA013388.